The following is an entry in ClinVar:

ClinVar aggregate classification (germline): Likely benign. Review status: criteria provided, multiple submitters, no conflicts (2 of 4 stars). 6 submissions from 6 submitters: Likely benign (6). Last evaluated 2026-01-26.

Conditions:
Aneurysm-osteoarthritis syndrome. Also called: SMAD3-Related Loeys-Dietz Syndrome; ANEURYSMS-OSTEOARTHRITIS SYNDROME; LOEYS-DIETZ SYNDROME WITH OSTEOARTHRITIS; Loeys-Dietz syndrome, type 1C. Identifiers: Orphanet 284984, MedGen C3151087, MONDO:0013426, OMIM 613795.
Familial thoracic aortic aneurysm and aortic dissection (TAAD). Also called: Thoracic aortic aneurysms and dissections. Identifiers: Orphanet 91387, MedGen C4707243, MONDO:0019625.

Allele frequency attached by ClinVar (database versions not stated): TOPMed 0.00002; ExAC 0.00006; gnomAD exomes 0.00006 and 0.00015; gnomAD 0.00007.
gnomAD v4.1: 222 of 1,614,048 alleles (0.014%); highest among the groups gnomAD compares: Non-Finnish European, 0.018%; no homozygotes.

Submissions (6):

Labcorp Genetics (formerly Invitae), Labcorp
Classification: Likely benign for Familial thoracic aortic aneurysm and aortic dissection. Last evaluated: 2026-01-26. Review status: criteria provided, single submitter. Criteria: Invitae Variant Classification Sherloc (09022015). Collection method: clinical testing. Allele origin: germline.

All of Us Research Program, National Institutes of Health
Classification: Likely benign for Aneurysm-osteoarthritis syndrome. Last evaluated: 2023-12-18. Review status: criteria provided, single submitter. Criteria: ACMG Guidelines, 2015. Collection method: clinical testing. Allele origin: germline. Inheritance: Autosomal dominant inheritance. Observed: 13 variant alleles, 13 heterozygotes.
Comment: This study involves interpretation of variants in research participants for the purpose of population health screening. Participant phenotype was not available at the time of variant classification. Additional details can be found in publication PMID: 35346344, PMCID: PMC8962531

Ambry Genetics
Classification: Likely benign for Familial thoracic aortic aneurysm and aortic dissection. Last evaluated: 2023-01-25. Review status: criteria provided, single submitter. Criteria: Ambry Variant Classification Scheme 2023. Collection method: clinical testing. Allele origin: germline.

CHEO Genetics Diagnostic Laboratory, Children's Hospital of Eastern Ontario
Classification: Likely benign for Familial thoracic aortic aneurysm and aortic dissection. Last evaluated: 2023-01-05. Review status: criteria provided, single submitter. Criteria: ACMG Guidelines, 2015. Collection method: clinical testing. Allele origin: germline.

Color Diagnostics, LLC DBA Color Health
Classification: Likely benign for Familial thoracic aortic aneurysm and aortic dissection. Last evaluated: 2020-11-02. Review status: criteria provided, single submitter. Criteria: ACMG Guidelines, 2015. Collection method: clinical testing. Allele origin: germline.

GeneDx
Classification: Likely benign. Last evaluated: 2019-05-29. Review status: criteria provided, single submitter. Criteria: GeneDx Variant Classification Process June 2021. Collection method: clinical testing. Allele origin: germline. Affected: yes.

NM_005902.4(SMAD3):c.1128C>T (p.Phe376=)

Gene: SMAD3 (SMAD family member 3; plus strand). Cytogenetic location: 15q22.33.
Variant type: single nucleotide variant.
Coding change: c.1128C>T on transcript NM_005902.4 (MANE Select); coding-DNA position 1128, C replaced by T.
Protein change: p.Phe376=; no amino-acid change (phenylalanine 376 retained).
Molecular consequence: synonymous variant.
Genome position (GRCh38, 1-based): chr15:67,187,483, C>T. VCF-style: chr15-67187483-C-T. GRCh37 (hg19) VCF-style: chr15-67479821-C-T.
Other names: c.813C>T, p.Phe271= (NM_001145102.2); c.996C>T, p.Phe332= (NM_001145103.2); c.543C>T, p.Phe181= (NM_001145104.2).
Identifiers: ClinVar variation 477567 (VCV000477567.18), dbSNP rs560348826, ClinGen allele CA061608.
Genomic context (GRCh38, chr15:67,187,483, plus strand): 5'-CAACCAGGGCTTTGAGGCTGTCTACCAGTTGACCCGAATGTGCACCATCCGCATGAGCTT[C>T]GTCAAAGGCTGGGGAGCGGAGTACAGGTCAGTTATGGGTGCTGCCTACATCAGGGGACCC-3'
Protein context (NP_005893.1, residues 366-386): LTRMCTIRMS[Phe376=]VKGWGAEYRR